The following is an entry in ClinVar:

NM_001022.4(RPS19):c.356+1G>A

Genes: RPS19-CD79A (RPS19-CD79A readthrough; plus strand), RPS19 (ribosomal protein S19; plus strand). Cytogenetic location: 19q13.2.
Variant type: single nucleotide variant.
Coding change: c.356+1G>A on transcript NM_001022.4 (MANE Select); the canonical splice donor site of the intron after coding-DNA position 356, G replaced by A.
Molecular consequence: splice donor variant.
Genome position (GRCh38, 1-based): chr19:41,869,215, G>A. VCF-style: chr19-41869215-G-A. GRCh37 (hg19) VCF-style: chr19-42373285-G-A.
Other names: c.356+1G>A (NM_001321484.2, NM_001321483.2); c.369+1G>A (NM_001321485.2).
Identifiers: ClinVar variation 1499101 (VCV001499101.9), dbSNP rs879993801, ClinGen allele CA406030628.

ClinVar aggregate classification (germline): Likely pathogenic. Review status: criteria provided, multiple submitters, no conflicts (2 of 4 stars). 2 submissions from 2 submitters: Likely pathogenic (2). Last evaluated 2024-11-13.

Conditions:
RPS19-related disorder. Also called: RPS19-related condition.
Diamond-Blackfan anemia. Also called: Blackfan Diamond syndrome; Aregenerative anemia chronic congenital; Red cell aplasia, pure hereditary; Congenital hypoplastic anemia; Aase syndrome. Identifiers: Orphanet 124, MedGen C1260899, MeSH D029503, MONDO:0015253, HP:0004810.

Submissions (2):

Blueprint Genetics
Classification: Likely pathogenic for RPS19-related disorders. Last evaluated: 2024-11-13. Review status: criteria provided, single submitter. Criteria: ACMG Guidelines, 2015. Collection method: clinical testing. Allele origin: germline. Affected: yes. Observed: 1 variant allele.

Labcorp Genetics (formerly Invitae), Labcorp
Classification: Likely pathogenic for Diamond-Blackfan anemia. Last evaluated: 2021-01-15. Review status: criteria provided, single submitter. Criteria: Invitae Variant Classification Sherloc (09022015). Collection method: clinical testing. Allele origin: germline.
Comment: Disruption of this splice site has been observed in individual(s) with Diamond-Blackfan anemia (PMID: 15384984, 20960466, 25946618). This sequence change affects a donor splice site in intron 4 of the RPS19 gene. It is expected to disrupt RNA splicing. Variants that disrupt the donor or acceptor splice site typically lead to a loss of protein function (PMID: 16199547), and loss-of-function variants in RPS19 are known to be pathogenic (PMID: 20960466). This variant is not present in population databases (ExAC no frequency). Algorithms developed to predict the effect of sequence changes on RNA splicing suggest that this variant may disrupt the consensus splice site, but this prediction has not been confirmed by published transcriptional studies. In summary, the currently available evidence indicates that the variant is pathogenic, but additional data are needed to prove that conclusively. Therefore, this variant has been classified as Likely Pathogenic.

Literature cited by the submitters: PubMed 15384984 (cited by Labcorp Genetics (formerly Invitae), Labcorp); PubMed 20960466 (cited by Labcorp Genetics (formerly Invitae), Labcorp); PubMed 25946618 (cited by Labcorp Genetics (formerly Invitae), Labcorp); PubMed 16199547 (cited by Labcorp Genetics (formerly Invitae), Labcorp).